The following is an entry in ClinVar:

NM_025114.4(CEP290):c.1240G>A (p.Asp414Asn)

Gene: CEP290 (centrosomal protein 290; minus strand). Cytogenetic location: 12q21.32.
Variant type: single nucleotide variant.
Coding change: c.1240G>A on transcript NM_025114.4 (MANE Select); coding-DNA position 1240, G replaced by A.
Protein change: p.Asp414Asn; replaces aspartic acid 414 with asparagine.
Molecular consequence: missense variant.
Genome position (GRCh38, 1-based): chr12:88,121,116, C>T on the plus strand (G>A on the coding strand, the complement: CEP290 is on the minus strand). VCF-style: chr12-88121116-C-T. GRCh37 (hg19) VCF-style: chr12-88514893-C-T.
Other names: short protein forms D414N.
Identifiers: ClinVar variation 2040482 (VCV002040482.4), dbSNP rs2501097205, ClinGen allele CA385980763.

ClinVar aggregate classification (germline): Uncertain significance (1 of 4 stars; one submission).

Conditions:
Joubert syndrome. Also called: CEREBELLOPARENCHYMAL DISORDER IV; JOUBERT-BOLTSHAUSER SYNDROME; Familial aplasia of the vermis. Identifiers: Orphanet 475, MedGen C5979921, MONDO:0018772.
Nephronophthisis. Also called: Juvenile Nephronophthisis. Identifiers: Orphanet 655, MedGen C0687120, MONDO:0019005, HP:0000090.
Meckel-Gruber syndrome. Also called: DYSENCEPHALIA SPLANCHNOCYSTICA; GRUBER SYNDROME; Dysencephalia splachnocystica. Identifiers: Orphanet 564, MedGen C0265215, MONDO:0018921.

gnomAD v4.1: 1 of 1,613,382 alleles (0.000062%); highest among the groups gnomAD compares: African/African-American, 0.0013%; no homozygotes.

Submission:

Labcorp Genetics (formerly Invitae), Labcorp
Classification: Uncertain significance for Joubert syndrome; Meckel-Gruber syndrome; Nephronophthisis. Last evaluated: 2023-05-16. Review status: criteria provided, single submitter. Criteria: Invitae Variant Classification Sherloc (09022015). Collection method: clinical testing. Allele origin: germline.
Comment: This variant is not present in population databases (gnomAD no frequency). This sequence change replaces aspartic acid, which is acidic and polar, with asparagine, which is neutral and polar, at codon 414 of the CEP290 protein (p.Asp414Asn). This variant has not been reported in the literature in individuals affected with CEP290-related conditions. ClinVar contains an entry for this variant (Variation ID: 2040482). Advanced modeling of protein sequence and biophysical properties (such as structural, functional, and spatial information, amino acid conservation, physicochemical variation, residue mobility, and thermodynamic stability) performed at Invitae indicates that this missense variant is not expected to disrupt CEP290 protein function. In summary, the available evidence is currently insufficient to determine the role of this variant in disease. Therefore, it has been classified as a Variant of Uncertain Significance.